The following is an entry in ClinVar:

NM_021930.6(RINT1):c.2303_2304delinsAC (p.Gly768Asp)

Genes: EFCAB10 (EF-hand calcium binding domain 10; minus strand), RINT1 (RAD50 interactor 1; plus strand). Cytogenetic location: 7q22.3.
Variant type: Indel.
Coding change: c.2303_2304delinsAC on transcript NM_021930.6 (MANE Select); coding-DNA positions 2303 to 2304, GA replaced by AC.
Protein change: p.Gly768Asp; replaces glycine 768 with aspartic acid.
Molecular consequence: missense variant. On other transcripts: 3 prime UTR variant (2), non-coding transcript variant (1), intron variant (3).
Genome position (GRCh38, 1-based): chr7:105,567,235-105,567,236, GA replaced by AC. VCF-style: chr7-105567235-GA-AC. GRCh37 (hg19) VCF-style: chr7-105207682-GA-AC.
Other names: c.*218_*219delinsGT (NM_001355527.2, NM_001355529.2); c.2069_2070delinsAC, p.Gly690Asp (NM_001346599.2); c.1280_1281delinsAC, p.Gly427Asp (NM_001346600.2, NM_001346603.2); c.1379_1380delinsAC, p.Gly460Asp (NM_001346601.2); c.360-1789_360-1788delinsGT (NM_001355531.2); c.383+231_383+232delinsGT (NM_001355526.2, NM_001355530.2); short protein forms G427D, G460D, G690D, G768D.
Identifiers: ClinVar variation 2157049 (VCV002157049.4), dbSNP rs2485203293, ClinGen allele CA2580076141.

ClinVar aggregate classification (germline): Uncertain significance (1 of 4 stars; one submission).

Submission:

Labcorp Genetics (formerly Invitae), Labcorp
Classification: Uncertain significance. Last evaluated: 2022-01-04. Review status: criteria provided, single submitter. Criteria: Invitae Variant Classification Sherloc (09022015). Collection method: clinical testing. Allele origin: germline.
Comment: In summary, the available evidence is currently insufficient to determine the role of this variant in disease. Therefore, it has been classified as a Variant of Uncertain Significance. Algorithms developed to predict the effect of missense changes on protein structure and function are either unavailable or do not agree on the potential impact of this missense change (SIFT: "Not Available"; PolyPhen-2: "Probably Damaging"; Align-GVGD: "Not Available"). This variant has not been reported in the literature in individuals affected with RINT1-related conditions. Information on the frequency of this variant in the gnomAD database is not available, as this variant may be reported differently in the database. This sequence change replaces glycine, which is neutral and non-polar, with aspartic acid, which is acidic and polar, at codon 768 of the RINT1 protein (p.Gly768Asp).